The following is an entry in ClinVar:

NM_001197104.2(KMT2A):c.10451C>T (p.Ser3484Phe)

Gene: KMT2A (lysine methyltransferase 2A; plus strand). Cytogenetic location: 11q23.3.
Variant type: single nucleotide variant.
Coding change: c.10451C>T on transcript NM_001197104.2 (MANE Select); coding-DNA position 10451, C replaced by T.
Protein change: p.Ser3484Phe; replaces serine 3484 with phenylalanine.
Molecular consequence: missense variant.
Genome position (GRCh38, 1-based): chr11:118,506,343, C>T. VCF-style: chr11-118506343-C-T. GRCh37 (hg19) VCF-style: chr11-118377058-C-T.
Other names: c.10541C>T, p.Ser3514Phe (NM_001412597.1); c.10442C>T, p.Ser3481Phe (NM_005933.4); short protein forms S3481F, S3484F, S3514F.
Identifiers: ClinVar variation 3341973 (VCV003341973.16).

ClinVar aggregate classification (germline): Likely benign (1 of 4 stars; one submission).

gnomAD v4.1: 3 of 1,614,142 alleles (0.00019%); highest among the groups gnomAD compares: Non-Finnish European, 0.00025%; no homozygotes.

Submission:

CeGaT Center for Human Genetics Tuebingen
Classification: Likely benign. Last evaluated: 2024-08-01. Review status: criteria provided, single submitter. Criteria: CeGaT Center For Human Genetics Tuebingen Variant Classification Criteria Version 2. Collection method: clinical testing. Allele origin: germline. Affected: yes. Observed: 1 variant allele.
Comment: KMT2A: BP4